The following is an entry in ClinVar:

ClinVar aggregate classification (germline): Benign/Likely benign. Review status: criteria provided, multiple submitters, no conflicts (2 of 4 stars). 3 submissions from 3 submitters: Benign (1); Likely benign (2). Last evaluated 2026-02-04.

Conditions:
Hereditary cancer-predisposing syndrome. Also called: Hereditary Cancer Syndrome; Hereditary neoplastic syndrome; Tumor predisposition; Neoplastic Syndromes, Hereditary. Identifiers: Orphanet 140162, MedGen C0027672, MeSH D009386, MONDO:0015356.
Multiple endocrine neoplasia, type 2 (MEN2). Identifiers: Orphanet 653, MedGen C4048306, MONDO:0019003. Disease mechanism: gain of function.
Multiple endocrine neoplasia type 2A. Also called: Multiple Endocrine Neoplasia Type 2A (MEN2A); MULTIPLE ENDOCRINE NEOPLASIA, TYPE IIA; PTC SYNDROME; SIPPLE SYNDROME; MEN 2A; MEN-2A syndrome. Identifiers: Orphanet 247698, Orphanet 653, MedGen C0025268, MeSH D018813, MONDO:0008234, OMIM 171400.

Allele frequency attached by ClinVar (database versions not stated): gnomAD exomes below 0.00001 and 0.00001; TOPMed below 0.00001; ExAC 0.00001; gnomAD 0.00002.
gnomAD v4.1: 5 of 1,607,028 alleles (0.00031%); highest among the groups gnomAD compares: Admixed American, 0.0085%; no homozygotes.

Submissions (3):

Labcorp Genetics (formerly Invitae), Labcorp
Classification: Likely benign for Multiple endocrine neoplasia, type 2. Last evaluated: 2026-02-04. Review status: criteria provided, single submitter. Criteria: Invitae Variant Classification Sherloc (09022015). Collection method: clinical testing. Allele origin: germline.

Myriad Genetics, Inc.
Classification: Benign for Multiple endocrine neoplasia type 2A. Last evaluated: 2025-02-26. Review status: criteria provided, single submitter. Criteria: Myriad Autosomal Dominant, Autosomal Recessive and X-Linked Classification Criteria (2023). Collection method: clinical testing. Allele origin: unknown.
Comment: This variant is considered benign. This variant is a silent/synonymous amino acid change and it is not expected to impact splicing.

Ambry Genetics
Classification: Likely benign for Hereditary cancer-predisposing syndrome. Last evaluated: 2022-04-03. Review status: criteria provided, single submitter. Criteria: Ambry Variant Classification Scheme 2023. Collection method: clinical testing. Allele origin: germline.

NM_020975.6(RET):c.1764C>A (p.Gly588=)

Gene: RET (ret proto-oncogene; plus strand). Cytogenetic location: 10q11.21.
Variant type: single nucleotide variant.
Coding change: c.1764C>A on transcript NM_020975.6 (MANE Select); coding-DNA position 1764, C replaced by A.
Protein change: p.Gly588=; no amino-acid change (glycine 588 retained).
Molecular consequence: synonymous variant. On other transcripts: intron variant (2).
Genome position (GRCh38, 1-based): chr10:43,113,560, C>A. VCF-style: chr10-43113560-C-A. GRCh37 (hg19) VCF-style: chr10-43609008-C-A.
Other names: c.1764C>A, p.Gly588= (NM_000323.2, NM_001406743.1, NM_001406744.1 and 6 more transcripts); c.1002C>A, p.Gly334= (NM_001355216.2); c.1635C>A, p.Gly545= (NM_001406761.1, NM_001406762.1, NM_001406764.1 and 1 more transcripts); c.1476C>A, p.Gly492= (NM_001406766.1, NM_001406767.1, NM_001406770.1); c.1368C>A, p.Gly456= (NM_001406769.1, NM_001406772.1); c.1326C>A, p.Gly442= (NM_001406771.1, NM_001406773.1); c.1239C>A, p.Gly413= (NM_001406774.1); c.1038C>A, p.Gly346= (NM_001406775.1, NM_001406776.1, NM_001406777.1 and 1 more transcripts); and 7 more.
Identifiers: ClinVar variation 1081089 (VCV001081089.13), dbSNP rs753557244, ClinGen allele CA035606.